The following is an entry in ClinVar:

ClinVar aggregate classification (germline): Uncertain significance (1 of 4 stars; one submission).

Allele frequency attached by ClinVar (database versions not stated): gnomAD exomes below 0.00001; ExAC 0.00001; TOPMed 0.00001.
gnomAD v4.1: 1 of 1,614,056 alleles (0.000062%); highest among the groups gnomAD compares: Admixed American, 0.0017%; no homozygotes.

Submission:

GeneDx
Classification: Uncertain significance. Last evaluated: 2022-10-17. Review status: criteria provided, single submitter. Criteria: GeneDx Variant Classification Process June 2021. Collection method: clinical testing. Allele origin: germline. Affected: yes.
Comment: Not observed at significant frequency in large population cohorts (gnomAD); In silico analysis supports that this missense variant has a deleterious effect on protein structure/function; Has not been previously published as pathogenic or benign to our knowledge

NM_001242896.3(DEPDC5):c.4674G>T (p.Trp1558Cys)

Gene: DEPDC5 (DEP domain containing 5, GATOR1 subcomplex subunit; plus strand). Cytogenetic location: 22q12.3.
Variant type: single nucleotide variant.
Coding change: c.4674G>T on transcript NM_001242896.3 (MANE Select); coding-DNA position 4674, G replaced by T.
Protein change: p.Trp1558Cys; replaces tryptophan 1558 with cysteine.
Molecular consequence: missense variant. On other transcripts: non-coding transcript variant (5).
Genome position (GRCh38, 1-based): chr22:31,906,359, G>T. VCF-style: chr22-31906359-G-T. GRCh37 (hg19) VCF-style: chr22-32302345-G-T.
Other names: c.4647G>T, p.Trp1549Cys (NM_001136029.4); c.4374G>T, p.Trp1458Cys (NM_001242897.2); c.4608G>T, p.Trp1536Cys (NM_001363852.2, NM_001364320.2); c.4440G>T, p.Trp1480Cys (NM_001363854.2, NM_001364319.2); c.4674G>T, p.Trp1558Cys (NM_001364318.2); c.4590G>T, p.Trp1530Cys (NM_001369901.1, NM_001369902.1); c.4581G>T, p.Trp1527Cys (NM_001369903.1, NM_014662.6); short protein forms W1458C, W1480C, W1527C, W1530C, W1536C, W1549C, W1558C.
Identifiers: ClinVar variation 1254897 (VCV001254897.5), dbSNP rs765985723, ClinGen allele CA10197308.